The following is an entry in ClinVar:

ClinVar aggregate classification (germline): Conflicting classifications of pathogenicity. Review status: criteria provided, conflicting classifications (1 of 4 stars). 5 submissions from 5 submitters: Likely pathogenic (1); Uncertain significance (3); Benign (1). Last evaluated 2024-04-04.

Conditions:
Maturity-onset diabetes of the young type 8 (MODY8). Also called: DIABETES AND PANCREATIC EXOCRINE DYSFUNCTION; DIABETES-PANCREATIC EXOCRINE DYSFUNCTION SYNDROME. Identifiers: Orphanet 552, MedGen C1853297, MONDO:0012348, OMIM 609812.

Submissions (5):

Genomic Medicine Center of Excellence, King Faisal Specialist Hospital and Research Centre
Classification: Uncertain significance for Maturity-onset diabetes of the young type 8. Last evaluated: 2024-04-04. Review status: criteria provided, single submitter. Criteria: ACMG Guidelines, 2015. Collection method: clinical testing. Allele origin: germline.

CeGaT Center for Human Genetics Tuebingen
Classification: Benign. Last evaluated: 2024-01-01. Review status: criteria provided, single submitter. Criteria: CeGaT Center For Human Genetics Tuebingen Variant Classification Criteria Version 2. Collection method: clinical testing. Allele origin: germline. Affected: yes. Observed: 1 variant allele.
Comment: CEL: BS1, BS2

Women's Health and Genetics/Laboratory Corporation of America, LabCorp
Classification: Uncertain significance. Last evaluated: 2023-10-19. Review status: criteria provided, single submitter. Criteria: LabCorp Variant Classification Summary - May 2015. Collection method: clinical testing. Allele origin: germline.
Comment: Variant summary: CEL c.1983delC (p.Val662CysfsX45) results in a premature termination codon and predicted to cause a truncation of the encoded protein starting in the tenth VNTR repeat in Mucin-like domain (IPR032059) (PMID: 29233499). This C-terminal region of CEL is comprised of 11-amino acid repeats and the most common version of human CEL has 16 repeated VNTR segments. Single base deletions in the proximal VNTR repeats that alter and shorten the VNTR repeat region have been reported in autosomal dominant diabetes with exocrine pancreatic dysfunction. Abnormal CEL protein aggregation due to disrupted O-glycosylation potential has been suggested as a possible pathogenic mechanism (PMID: 29233499). The variant was absent in 3104 control chromosomes, however next-generation sequencing may not reliably detect such variants because of the repetitive nature of the region. The available data on variant occurrences in the general population are insufficient to allow any conclusion about variant significance. c.1974delC has been reported in the literature in unspecified individual(s) receiving genetic testing, however, detailed clinical information and individual(s) carrying this variant have not been provided (Dron_2022). These report(s) do not provide unequivocal conclusions about association of the variant with Maturity Onset Diabetes Of The Young 8. To our knowledge, no experimental evidence demonstrating an impact on protein function has been reported. In addition, one publication reported a CEL frameshift variant with nine intact VNTR repeats and classified it as likely benign (PMID: 29233499), suggesting the variant of interest (with nine intact VNTR repeats) may not be pathogenic. The following publication have been ascertained in the context of this evaluation (PMID: 32041611). No submitters have cited clinical-significance assessments for this variant to ClinVar after 2014. Based on the evidence outlined above, the variant was classified as uncertain significance.

Department of Pathology and Laboratory Medicine, Sinai Health System
Classification: Uncertain significance for Maturity-onset diabetes of the young type 8. Last evaluated: 2023-03-13. Review status: criteria provided, single submitter. Criteria: ACMG Guidelines, 2015. Collection method: research. Allele origin: germline.

Breakthrough Genomics
Classification: Likely pathogenic for Maturity-onset diabetes of the young type 8. Last evaluated: 2020-01-28. Review status: criteria provided, single submitter. Criteria: ACMG Guidelines, 2015. Collection method: clinical testing. Allele origin: germline. Affected: yes.
Comment: This variant seems to be a novel variant, as it has not been previously reported in population or public databases or in the literature. However, a truncating variants lying downstream of the variant, has been previously reported as likely pathogenic in the ClinVar database. In a study it has been suggested that the end of the normal CEL protein usually consists of 16 segments of 11 amino acids each, forming a variable number of tandem repeat (VNTR) region where as in the monogenic pancreatic disease CEL-MODY, a frame-shift mutation leads to a new and different VNTR of 11 repeats and resulting protein has a strong tendency to form intracellular and extracellular aggregates [PMID: 27133394].

Literature cited by the submitters: PubMed 32041611 (cited by Women's Health and Genetics/Laboratory Corporation of America, LabCorp).

NM_001807.6(CEL):c.1974del (p.Val659fs)

Gene: CEL (carboxyl ester lipase; plus strand). Cytogenetic location: 9q34.13.
Variant type: Deletion.
Coding change: c.1974del on transcript NM_001807.6 (MANE Select); coding-DNA position 1974, one base deleted (C; older notation c.1974delC).
Protein change: p.Val659fs; shifts the reading frame from valine 659.
Molecular consequence: frameshift variant.
Genome position (GRCh38, 1-based): chr9:133,071,476, C deleted; the last of 8 consecutive C bases (chr9:133,071,469-133,071,476); deleting any one gives the same sequence. VCF-style (leftmost placement, unchanged base first): chr9-133071468-GC-G. GRCh37 (hg19) VCF-style: chr9-135946855-GC-G.
Other names: p.Val662CysfsTer45; c.1974delC (NM_001807.6); short protein forms V659fs.
Identifiers: ClinVar variation 917572 (VCV000917572.27), dbSNP rs1341981506, ClinGen allele CA467814275.